The following is an entry in ClinVar:

ClinVar aggregate classification (germline): Benign/Likely benign. Review status: criteria provided, multiple submitters, no conflicts (2 of 4 stars). 3 submissions from 3 submitters: Benign (1); Likely benign (2). Last evaluated 2025-02-11.

Conditions:
Hereditary cancer-predisposing syndrome. Also called: Hereditary Cancer Syndrome; Hereditary neoplastic syndrome; Neoplastic Syndromes, Hereditary; Tumor predisposition. Identifiers: Orphanet 140162, MedGen C0027672, MeSH D009386, MONDO:0015356.
Colorectal cancer, susceptibility to, 12 (CRCS12). Also called: COLORECTAL CANCER, SUSCEPTIBILITY TO, ON CHROMOSOME 12q24. Identifiers: Orphanet 220460, MedGen C3554460, MONDO:0014038, OMIM 615083.

Submissions (3):

Myriad Genetics, Inc.
Classification: Benign for Colorectal cancer, susceptibility to, 12. Last evaluated: 2025-02-11. Review status: criteria provided, single submitter. Criteria: Myriad Autosomal Dominant, Autosomal Recessive and X-Linked Classification Criteria (2023). Collection method: clinical testing. Allele origin: unknown.
Comment: This variant is considered benign. This variant is a silent/synonymous amino acid change and it is not expected to impact splicing.

Labcorp Genetics (formerly Invitae), Labcorp
Classification: Likely benign. Last evaluated: 2024-10-26. Review status: criteria provided, single submitter. Criteria: Invitae Variant Classification Sherloc (09022015). Collection method: clinical testing. Allele origin: germline.

Ambry Genetics
Classification: Likely benign for Hereditary cancer-predisposing syndrome. Last evaluated: 2022-01-14. Review status: criteria provided, single submitter. Criteria: Ambry Variant Classification Scheme 2023. Collection method: clinical testing. Allele origin: germline.

NM_006231.4(POLE):c.1446C>T (p.Cys482=)

Gene: POLE (DNA polymerase epsilon, catalytic subunit; minus strand). Cytogenetic location: 12q24.33.
Variant type: single nucleotide variant.
Coding change: c.1446C>T on transcript NM_006231.4 (MANE Select); coding-DNA position 1446, C replaced by T.
Protein change: p.Cys482=; no amino-acid change (cysteine 482 retained).
Molecular consequence: synonymous variant.
Genome position (GRCh38, 1-based): chr12:132,673,191, G>A on the plus strand (C>T on the coding strand, the complement: POLE is on the minus strand). VCF-style: chr12-132673191-G-A. GRCh37 (hg19) VCF-style: chr12-133249777-G-A.
Identifiers: ClinVar variation 755173 (VCV000755173.12), dbSNP rs1593072230, ClinGen allele CA482722664.
Genomic context (GRCh38, chr12:132,673,191, plus strand): 5'-GGCCAGGGTGCCGACAGGACAGATAATGCTCACCTCGTCGGGCTCCATGGGAATAATGGT[G>A]CACAGAGCAAAGATGAATGGGTGGACGTACTTCATGTACAGGTAGTAAGTGGCGACAGCA-3'
Protein context (NP_006222.2, residues 472-492): KYVHPFIFAL[Cys482=]TIIPMEPDEV